The following is an entry in ClinVar:

ClinVar aggregate classification (germline): Uncertain significance (1 of 4 stars; one submission).

Conditions:
Hereditary cancer-predisposing syndrome. Also called: Hereditary Cancer Syndrome; Hereditary neoplastic syndrome; Neoplastic Syndromes, Hereditary; Tumor predisposition. Identifiers: Orphanet 140162, MedGen C0027672, MeSH D009386, MONDO:0015356.

Submission:

Ambry Genetics
Classification: Uncertain significance for Hereditary cancer-predisposing syndrome. Last evaluated: 2022-01-06. Review status: criteria provided, single submitter. Criteria: Ambry Variant Classification Scheme 2023. Collection method: clinical testing. Allele origin: germline.
Comment: The p.A323G variant (also known as c.968C>G), located in coding exon 10 of the NF2 gene, results from a C to G substitution at nucleotide position 968. The alanine at codon 323 is replaced by glycine, an amino acid with similar properties. This amino acid position is highly conserved in available vertebrate species. In addition, the in silico prediction for this alteration is inconclusive. Since supporting evidence is limited at this time, the clinical significance of this alteration remains unclear.

NM_000268.4(NF2):c.968C>G (p.Ala323Gly)

Gene: NF2 (NF2, moesin-ezrin-radixin like (MERLIN) tumor suppressor; plus strand). Cytogenetic location: 22q12.2.
Variant type: single nucleotide variant.
Coding change: c.968C>G on transcript NM_000268.4 (MANE Select); coding-DNA position 968, C replaced by G.
Protein change: p.Ala323Gly; replaces alanine 323 with glycine.
Molecular consequence: missense variant. On other transcripts: non-coding transcript variant (1), intron variant (1).
Genome position (GRCh38, 1-based): chr22:29,668,415, C>G. VCF-style: chr22-29668415-C-G. GRCh37 (hg19) VCF-style: chr22-30064404-C-G.
Other names: c.854C>G, p.Ala285Gly (NM_001407053.1, NM_001407056.1); c.845C>G, p.Ala282Gly (NM_001407054.1, NM_001407058.1, NM_181829.3); c.842C>G, p.Ala281Gly (NM_001407055.1, NM_181828.3); c.833C>G, p.Ala278Gly (NM_001407057.1, NM_001407059.1); c.968C>G, p.Ala323Gly (NM_001407060.1, NM_001407066.1, NM_016418.5 and 2 more transcripts); c.710C>G, p.Ala237Gly (NM_001407062.1); c.719C>G, p.Ala240Gly (NM_001407063.1, NM_001407064.1, NM_181830.3 and 1 more transcripts); c.434C>G, p.Ala145Gly (NM_001407065.1); and 2 more; short protein forms A282G, A323G, A145G, A237G, A278G, A281G, A246G, A240G.
Identifiers: ClinVar variation 1767792 (VCV001767792.2), dbSNP rs1317525094, ClinGen allele CA411146003.
Genomic context (GRCh38, chr22:29,668,415, plus strand): 5'-ACCATGATCTATTTATGAGGAGAAGGAAAGCCGATTCTTTGGAAGTTCAGCAGATGAAAG[C>G]CCAGGCCAGGGAGGAGAAGGCTAGAAAGCAGGTGAGCACAACCTTGTTTTAACTGATGAT-3'
Protein context (NP_000259.1, residues 313-333): ADSLEVQQMK[Ala323Gly]QAREEKARKQ